The following is an entry in ClinVar:

NM_001369369.1(FOXN1):c.203C>G (p.Pro68Arg)

Gene: FOXN1 (forkhead box N1; plus strand). Cytogenetic location: 17q11.2.
Variant type: single nucleotide variant.
Coding change: c.203C>G on transcript NM_001369369.1 (MANE Select); coding-DNA position 203, C replaced by G.
Protein change: p.Pro68Arg; replaces proline 68 with arginine.
Molecular consequence: missense variant.
Genome position (GRCh38, 1-based): chr17:28,524,582, C>G. VCF-style: chr17-28524582-C-G. GRCh37 (hg19) VCF-style: chr17-26851600-C-G.
Other names: c.203C>G, p.Pro68Arg (NM_003593.3); short protein forms P68R.
Identifiers: ClinVar variation 1978162 (VCV001978162.5), dbSNP rs776666522, ClinGen allele CA398320743.

ClinVar aggregate classification (germline): Uncertain significance (1 of 4 stars; one submission).

Conditions:
T-cell immunodeficiency, congenital alopecia, and nail dystrophy. Also called: Congenital alopecia and nail dystrophy associated with severe functional T-cell immunodeficiency; Pignata Guarino syndrome. Identifiers: Orphanet 169095, MedGen C1866426, MONDO:0011132, OMIM 601705.

gnomAD v4.1: 1 of 1,613,660 alleles (0.000062%); highest among the groups gnomAD compares: Non-Finnish European, 0.000085%; no homozygotes.

Submission:

Labcorp Genetics (formerly Invitae), Labcorp
Classification: Uncertain significance for T-cell immunodeficiency, congenital alopecia, and nail dystrophy. Last evaluated: 2023-08-10. Review status: criteria provided, single submitter. Criteria: Invitae Variant Classification Sherloc (09022015). Collection method: clinical testing. Allele origin: germline.
Comment: ClinVar contains an entry for this variant (Variation ID: 1978162). This variant has not been reported in the literature in individuals affected with FOXN1-related conditions. This variant is not present in population databases (gnomAD no frequency). This sequence change replaces proline, which is neutral and non-polar, with arginine, which is basic and polar, at codon 68 of the FOXN1 protein (p.Pro68Arg). Advanced modeling of protein sequence and biophysical properties (such as structural, functional, and spatial information, amino acid conservation, physicochemical variation, residue mobility, and thermodynamic stability) performed at Invitae indicates that this missense variant is not expected to disrupt FOXN1 protein function. In summary, the available evidence is currently insufficient to determine the role of this variant in disease. Therefore, it has been classified as a Variant of Uncertain Significance.